The following is an entry in ClinVar:

NM_000051.4(ATM):c.280A>T (p.Met94Leu)

Gene: ATM (ATM serine/threonine kinase; plus strand). Cytogenetic location: 11q22.3.
Variant type: single nucleotide variant.
Coding change: c.280A>T on transcript NM_000051.4 (MANE Select); coding-DNA position 280, A replaced by T.
Protein change: p.Met94Leu; replaces methionine 94 with leucine.
Molecular consequence: missense variant.
Genome position (GRCh38, 1-based): chr11:108,229,272, A>T. VCF-style: chr11-108229272-A-T. GRCh37 (hg19) VCF-style: chr11-108099999-A-T.
Other names: c.280A>T, p.Met94Leu (NM_001351834.2, NM_001351835.2, NM_001351836.2); short protein forms M94L.
Identifiers: ClinVar variation 3326270 (VCV003326270.1).
Genomic context (GRCh38, chr11:108,229,272, plus strand): 5'-TGTCTGAGAATAGCAAAACCAAATGTATCAGCCTCAACACAAGCCTCCAGGCAGAAAAAG[A>T]TGCAGGAAATCAGTAGTTTGGTCAAATACTTCATCAAATGTGCAAACAGAAGTAAGTGAT-3'
Protein context (NP_000042.3, residues 84-104): ASTQASRQKK[Met94Leu]QEISSLVKYF

ClinVar aggregate classification (germline): Uncertain significance (1 of 4 stars; one submission).

Conditions:
Hereditary cancer-predisposing syndrome. Also called: Neoplastic Syndromes, Hereditary; Tumor predisposition; Hereditary neoplastic syndrome; Hereditary Cancer Syndrome. Identifiers: Orphanet 140162, MedGen C0027672, MeSH D009386, MONDO:0015356.

Submission:

Ambry Genetics
Classification: Uncertain significance for Hereditary cancer-predisposing syndrome. Last evaluated: 2024-05-18. Review status: criteria provided, single submitter. Criteria: Ambry Variant Classification Scheme 2023. Collection method: clinical testing. Allele origin: germline.
Comment: The p.M94L variant (also known as c.280A>T), located in coding exon 3 of the ATM gene, results from an A to T substitution at nucleotide position 280. The methionine at codon 94 is replaced by leucine, an amino acid with highly similar properties. This amino acid position is conserved. In addition, this alteration is predicted to be tolerated by in silico analysis. Based on the available evidence, the clinical significance of this variant remains unclear.